The following is an entry in ClinVar:

ClinVar aggregate classification (germline): Uncertain significance. Review status: criteria provided, multiple submitters, no conflicts (2 of 4 stars). 2 submissions from 2 submitters: Uncertain significance (2). Last evaluated 2026-07-01.

Conditions:
Hereditary sensory and autonomic neuropathy type 7. Also called: Neuropathy, hereditary sensory and autonomic, type VII; HSAN VII. Identifiers: Orphanet 391397, MedGen C3809882, MONDO:0014244, OMIM 615548.
Familial episodic pain syndrome with predominantly lower limb involvement. Also called: Episodic pain syndrome, familial, 3. Identifiers: Orphanet 391384, Orphanet 391392, MedGen C3809899, MONDO:0014247, OMIM 615552.

Submissions (2):

CeGaT Center for Human Genetics Tuebingen
Classification: Uncertain significance. Last evaluated: 2026-07-01. Review status: criteria provided, single submitter. Criteria: CeGaT Center For Human Genetics Tuebingen Variant Classification Criteria Version 2. Collection method: clinical testing. Allele origin: germline. Affected: yes. Observed: 1 variant allele.
Comment: SCN11A: PM4:Supporting

Labcorp Genetics (formerly Invitae), Labcorp
Classification: Uncertain significance for Familial episodic pain syndrome with predominantly lower limb involvement; Hereditary sensory and autonomic neuropathy type 7. Last evaluated: 2024-10-14. Review status: criteria provided, single submitter. Criteria: Invitae Variant Classification Sherloc (09022015). Collection method: clinical testing. Allele origin: germline.
Comment: This variant, c.1138_1140del, results in the deletion of 1 amino acid(s) of the SCN11A protein (p.Phe380del), but otherwise preserves the integrity of the reading frame. This variant is present in population databases (rs771345700, gnomAD 0.002%). This variant has not been reported in the literature in individuals affected with SCN11A-related conditions. ClinVar contains an entry for this variant (Variation ID: 474686). Experimental studies and prediction algorithms are not available or were not evaluated, and the functional significance of this variant is currently unknown. In summary, the available evidence is currently insufficient to determine the role of this variant in disease. Therefore, it has been classified as a Variant of Uncertain Significance.

NM_001349253.2(SCN11A):c.1132TTC[2] (p.Phe380del)

Gene: SCN11A (sodium voltage-gated channel alpha subunit 11; minus strand). Cytogenetic location: 3p22.2.
Variant type: Microsatellite.
Coding change: c.1132TTC[2] on transcript NM_001349253.2 (MANE Select); two copies in a row of the 3-base unit TTC starting at c.1132; the reference has three copies in a row; one copy, 3 bases deleted.
Protein change: p.Phe380del; deletes phenylalanine 380.
Molecular consequence: inframe deletion.
Genome position (GRCh38, 1-based): chr3:38,909,156-38,909,158, GAA deleted on the plus strand (TTC on the coding strand, the reverse complement: SCN11A is on the minus strand); deleting any 3 consecutive bases within chr3:38,909,156-38,909,166 gives the same sequence; the position shown is the placement nearest the transcript's 3' end. VCF-style (leftmost placement, unchanged base first): chr3-38909155-TGAA-T. GRCh37 (hg19) VCF-style: chr3-38950646-TGAA-T.
Other names: c.1138_1140delTTC (NM_014139.2); c.1132TTC[2], p.Phe380del (NM_014139.3); short protein forms F380del.
Identifiers: ClinVar variation 474686 (VCV000474686.6), dbSNP rs771345700, ClinGen allele CA2322384.